The following is an entry in ClinVar:

NM_001127649.3(PEX26):c.230+1G>C

Gene: PEX26 (peroxisomal biogenesis factor 26; plus strand). Cytogenetic location: 22q11.21.
Variant type: single nucleotide variant.
Coding change: c.230+1G>C on transcript NM_001127649.3 (MANE Select); the canonical splice donor site of the intron after coding-DNA position 230, G replaced by C.
Molecular consequence: splice donor variant.
Genome position (GRCh38, 1-based): chr22:18,078,607, G>C. VCF-style: chr22-18078607-G-C. GRCh37 (hg19) VCF-style: chr22-18561373-G-C.
Other names: c.230+1G>C (NM_017929.6, NM_001199319.2).
Identifiers: ClinVar variation 4998500 (VCV004998500.1).

ClinVar aggregate classification (germline): Pathogenic (1 of 4 stars; one submission).

Conditions:
PEX26-related disorder. Also called: PEX26-related condition.

gnomAD v4.1: 1 of 1,597,762 alleles (0.000063%); highest among the groups gnomAD compares: Non-Finnish European, 0.000085%; no homozygotes.

Submission:

PreventionGenetics, part of Exact Sciences
Classification: Pathogenic for PEX26-related condition. Last evaluated: 2025-06-25. Review status: criteria provided, single submitter. Criteria: ACMG Guidelines, 2015. Collection method: clinical testing. Allele origin: germline.
Comment: The PEX26 c.230+1G>C variant is predicted to disrupt the GT donor site and interfere with normal splicing. To our knowledge, this variant has not been reported in the literature or in a large population database (gnomAD), indicating this variant is rare. Similar splice variants (c.230+1G>T, c.230+1G>A) have been reported in the homozygous state in three individuals with PEX26-related disease (Weller et al. 2005. PubMed ID: 15858711; Furuki et al. 2006. PubMed ID: 16257970; Shen et al. 2016. PubMed ID: 27392320). Variants that disrupt the consensus splice donor site in PEX26 are expected to be pathogenic. This variant is interpreted as pathogenic.